The following is an entry in ClinVar:

NM_015909.4(NBAS):c.2321T>G (p.Val774Gly)

Gene: NBAS (NBAS subunit of NRZ tethering complex; minus strand). Cytogenetic location: 2p24.3.
Variant type: single nucleotide variant.
Coding change: c.2321T>G on transcript NM_015909.4 (MANE Select); coding-DNA position 2321, T replaced by G.
Protein change: p.Val774Gly; replaces valine 774 with glycine.
Molecular consequence: missense variant. On other transcripts: non-coding transcript variant (1).
Genome position (GRCh38, 1-based): chr2:15,461,219, A>C on the plus strand (T>G on the coding strand, the complement: NBAS is on the minus strand). VCF-style: chr2-15461219-A-C. GRCh37 (hg19) VCF-style: chr2-15601343-A-C.
Other names: c.2321T>G (NM_015909.2); short protein forms V774G.
Identifiers: ClinVar variation 1429686 (VCV001429686.9), dbSNP rs757669538, ClinGen allele CA1536403.

ClinVar aggregate classification (germline): Uncertain significance. Review status: criteria provided, multiple submitters, no conflicts (2 of 4 stars). 2 submissions from 2 submitters: Uncertain significance (2). Last evaluated 2025-05-03.

Conditions:
Inborn genetic diseases. Identifiers: MedGen C0950123, MeSH D030342.

Allele frequency attached by ClinVar (database versions not stated): gnomAD exomes below 0.00001 and 0.00001; ExAC 0.00001; gnomAD 0.00001.
gnomAD v4.1: 8 of 1,613,784 alleles (0.0005%); highest among the groups gnomAD compares: African/African-American, 0.0013%; no homozygotes.

Submissions (2):

Ambry Genetics
Classification: Uncertain significance for Inborn genetic diseases. Last evaluated: 2025-05-03. Review status: criteria provided, single submitter. Criteria: Ambry Variant Classification Scheme 2023. Collection method: clinical testing. Allele origin: germline.

Labcorp Genetics (formerly Invitae), Labcorp
Classification: Uncertain significance. Last evaluated: 2021-04-02. Review status: criteria provided, single submitter. Criteria: Invitae Variant Classification Sherloc (09022015). Collection method: clinical testing. Allele origin: germline.
Comment: This variant has not been reported in the literature in individuals with NBAS-related conditions. In summary, the available evidence is currently insufficient to determine the role of this variant in disease. Therefore, it has been classified as a Variant of Uncertain Significance. Algorithms developed to predict the effect of sequence changes on RNA splicing suggest that this variant may create or strengthen a splice site, but this prediction has not been confirmed by published transcriptional studies. Algorithms developed to predict the effect of missense changes on protein structure and function are either unavailable or do not agree on the potential impact of this missense change (SIFT: "Deleterious"; PolyPhen-2: "Benign"; Align-GVGD: "Class C65"). This variant is present in population databases (rs757669538, ExAC 0.01%). This sequence change replaces valine with glycine at codon 774 of the NBAS protein (p.Val774Gly). The valine residue is highly conserved and there is a moderate physicochemical difference between valine and glycine.